The following is an entry in ClinVar:

NM_016599.5(MYOZ2):c.237A>G (p.Ala79=)

Gene: MYOZ2 (myozenin 2; plus strand). Cytogenetic location: 4q26.
Variant type: single nucleotide variant.
Coding change: c.237A>G on transcript NM_016599.5 (MANE Select); coding-DNA position 237, A replaced by G.
Protein change: p.Ala79=; no amino-acid change (alanine 79 retained).
Molecular consequence: synonymous variant.
Genome position (GRCh38, 1-based): chr4:119,151,032, A>G. VCF-style: chr4-119151032-A-G. GRCh37 (hg19) VCF-style: chr4-120072187-A-G.
Other names: p.A79A:GCA>GCG.
Identifiers: ClinVar variation 31788 (VCV000031788.65), dbSNP rs17851524, ClinGen allele CA215282.

ClinVar aggregate classification (germline): Benign. Review status: criteria provided, multiple submitters, no conflicts (2 of 4 stars). 16 submissions from 16 submitters: Benign (11). 5 of the submissions do not count toward it. Last evaluated 2026-07-01.

Conditions:
MYOZ2-related disorder. Also called: MYOZ2-related condition.
Cardiovascular phenotype. Identifiers: MedGen CN230736.
Hypertrophic cardiomyopathy 16. Identifiers: MedGen C3151204, MONDO:0013455, OMIM 613838.
Cardiomyopathy (CMYO). Also called: Cardiomyopathies. Identifiers: Orphanet 167848, MedGen C0878544, MONDO:0004994, HP:0001638. Inheritance: Various modes of inheritance.
Hypertrophic cardiomyopathy. Also called: HYPERTROPHIC MYOCARDIOPATHY. Identifiers: Orphanet 217569, MedGen C0007194, MeSH D002312, MONDO:0005045, HP:0001639.

Allele frequency attached by ClinVar (database versions not stated): 1000 Genomes Project 0.00379; 1000 Genomes Project 30x 0.00422; gnomAD 0.00928 and 0.00952; TOPMed 0.00945; gnomAD exomes 0.00947 and 0.01245; ESP Exome Variant Server 0.00961; ExAC 0.00992.
gnomAD v4.1: 19,542 of 1,610,914 alleles (1.2%); highest among the groups gnomAD compares: Non-Finnish European, 1.4%; 148 homozygotes.

Submissions (16):

CeGaT Center for Human Genetics Tuebingen
Classification: Benign. Last evaluated: 2026-07-01. Review status: criteria provided, single submitter. Criteria: CeGaT Center For Human Genetics Tuebingen Variant Classification Criteria Version 2. Collection method: clinical testing. Allele origin: germline. Affected: yes. Observed: 10 variant alleles.
Comment: MYOZ2: BP4, BP7, BS1, BS2

Labcorp Genetics (formerly Invitae), Labcorp
Classification: Benign for Hypertrophic cardiomyopathy. Last evaluated: 2026-02-03. Review status: criteria provided, single submitter. Criteria: Invitae Variant Classification Sherloc (09022015). Collection method: clinical testing. Allele origin: germline.

ARUP Laboratories, Molecular Genetics and Genomics, ARUP Laboratories
Classification: Benign for Hypertrophic cardiomyopathy 16. Last evaluated: 2023-11-29. Review status: criteria provided, single submitter. Criteria: ARUP Molecular Germline Variant Investigation Process 2024. Collection method: clinical testing. Allele origin: germline.

Women's Health and Genetics/Laboratory Corporation of America, LabCorp
Classification: Benign. Last evaluated: 2017-08-25. Review status: criteria provided, single submitter. Criteria: LabCorp Variant Classification Summary - May 2015. Collection method: clinical testing. Allele origin: germline.
Comment: Variant summary: The MYOZ2 c.237A>G (p.Ala79Ala) variant involves the alteration of a non-conserved nucleotide, resulting in a synonymous change. Mutation taster predicts a damaging outcome for this variant. 5/5 splice prediction tools predict no significant impact on normal splicing. ESE finder predicts that this variant may not affect binding of ESE sites. However, these predictions have yet to be confirmed by functional studies. This variant was found in 1202/121194 control chromosomes (9 homozygotes) from ExAC, predominantly observed in the European (Non-Finnish) subpopulation at a frequency of 0.014932 (995/66636). This frequency is about 597 times the estimated maximal expected allele frequency of a pathogenic MYOZ2 variant (0.000025), suggesting this is likely a benign polymorphism found primarily in the populations of European (Non-Finnish) origin. In addition, multiple clinical diagnostic laboratories in ClinVar have classified this variant as benign. The variant of interest has not, to our knowledge, been reported in affected individuals in literature. Taken together, this variant is classified as benign.

CHEO Genetics Diagnostic Laboratory, Children's Hospital of Eastern Ontario
Classification: Benign for Cardiomyopathy. Last evaluated: 2016-03-10. Review status: criteria provided, single submitter. Criteria: ACMG Guidelines, 2015. Collection method: clinical testing. Allele origin: germline. Study: Canadian Open Genetics Repository.

Ambry Genetics
Classification: Benign for Cardiovascular phenotype. Last evaluated: 2015-11-13. Review status: criteria provided, single submitter. Criteria: Ambry Variant Classification Scheme 2023. Collection method: clinical testing. Allele origin: germline.

Clinical Genetics DNA and cytogenetics Diagnostics Lab, Erasmus MC, Erasmus Medical Center
Classification: Benign for Hypertrophic cardiomyopathy 16. Last evaluated: 2015-09-21. Review status: criteria provided, single submitter. Criteria: ACGS Guidelines, 2013. Collection method: clinical testing. Allele origin: germline. Affected: yes. Study: VKGL Data-share Consensus.

Genome Diagnostics Laboratory, University Medical Center Utrecht
Classification: Benign for Hypertrophic cardiomyopathy 16. Last evaluated: 2014-10-10. Review status: criteria provided, single submitter. Criteria: ACGS Guidelines, 2013. Collection method: clinical testing. Allele origin: germline. Affected: yes. Study: VKGL Data-share Consensus.

GeneDx
Classification: Benign. Last evaluated: 2014-03-20. Review status: criteria provided, single submitter. Criteria: GeneDx Variant Classification (06012015). Collection method: clinical testing. Allele origin: germline. Affected: yes.
Comment: This variant is considered likely benign or benign based on one or more of the following criteria: it is a conservative change, it occurs at a poorly conserved position in the protein, it is predicted to be benign by multiple in silico algorithms, and/or has population frequency not consistent with disease.

Laboratory for Molecular Medicine, Mass General Brigham Personalized Medicine
Classification: Benign. Last evaluated: 2011-09-08. Review status: criteria provided, single submitter. Criteria: LMM Criteria. Collection method: clinical testing. Allele origin: germline. Observed: 67 variant alleles.

Breakthrough Genomics
Classification: Benign. Review status: criteria provided, single submitter. Criteria: ACMG Guidelines, 2015. Collection method: not provided. Allele origin: germline. Inheritance: Autosomal dominant inheritance. Affected: yes.

PreventionGenetics, part of Exact Sciences
Classification: Benign for MYOZ2-related condition. Last evaluated: 2019-07-15. Review status: no assertion criteria provided. Collection method: clinical testing. Allele origin: germline. Not counted in ClinVar's aggregate classification.
Comment: This variant is classified as benign based on ACMG/AMP sequence variant interpretation guidelines (Richards et al. 2015 PMID: 25741868, with internal and published modifications).

Leiden Muscular Dystrophy (MYOZ2)
No classification provided. Last evaluated: 2012-04-20. Review status: no classification provided. Collection method: curation. Allele origin: germline. Not counted in ClinVar's aggregate classification.

Clinical Genetics, Academic Medical Center
Classification: Benign. Review status: no assertion criteria provided. Collection method: clinical testing. Allele origin: germline. Affected: yes. Study: VKGL Data-share Consensus. Not counted in ClinVar's aggregate classification.

Diagnostic Laboratory, Department of Genetics, University Medical Center Groningen
Classification: Likely benign for Hypertrophic cardiomyopathy 16. Review status: no assertion criteria provided. Collection method: clinical testing. Allele origin: germline. Affected: yes. Study: VKGL Data-share Consensus. Not counted in ClinVar's aggregate classification.

Joint Genome Diagnostic Labs from Nijmegen and Maastricht, Radboudumc and MUMC+
Classification: Benign. Review status: no assertion criteria provided. Collection method: clinical testing. Allele origin: germline. Affected: yes. Study: VKGL Data-share Consensus. Not counted in ClinVar's aggregate classification.